The following is an entry in ClinVar:

NM_004813.4(PEX16):c.823C>T (p.Arg275Trp)

Gene: PEX16 (peroxisomal biogenesis factor 16; minus strand). Cytogenetic location: 11p11.2.
Variant type: single nucleotide variant.
Coding change: c.823C>T on transcript NM_004813.4 (MANE Select); coding-DNA position 823, C replaced by T.
Protein change: p.Arg275Trp; replaces arginine 275 with tryptophan.
Molecular consequence: missense variant.
Genome position (GRCh38, 1-based): chr11:45,913,883, G>A on the plus strand (C>T on the coding strand, the complement: PEX16 is on the minus strand). VCF-style: chr11-45913883-G-A. GRCh37 (hg19) VCF-style: chr11-45935434-G-A.
Other names: c.823C>T, p.Arg275Trp (NM_057174.3); short protein forms R275W.
Identifiers: ClinVar variation 955212 (VCV000955212.9), dbSNP rs372815115, ClinGen allele CA5959809.

ClinVar aggregate classification (germline): Uncertain significance (1 of 4 stars; one submission).

Conditions:
Peroxisome biogenesis disorder. Identifiers: Orphanet 79189, MedGen C1832200, MONDO:0019234. Disease mechanism: loss of function.

Allele frequency attached by ClinVar (database versions not stated): ExAC 0.00001; gnomAD 0.00001; gnomAD exomes 0.00001 and 0.00002; TOPMed 0.00002; ESP Exome Variant Server 0.00015.
gnomAD v4.1: 11 of 1,611,330 alleles (0.00068%); highest among the groups gnomAD compares: South Asian, 0.0044%; no homozygotes.

Submission:

Labcorp Genetics (formerly Invitae), Labcorp
Classification: Uncertain significance for Peroxisome biogenesis disorder. Last evaluated: 2024-08-05. Review status: criteria provided, single submitter. Criteria: Invitae Variant Classification Sherloc (09022015). Collection method: clinical testing. Allele origin: germline.
Comment: This sequence change replaces arginine, which is basic and polar, with tryptophan, which is neutral and slightly polar, at codon 275 of the PEX16 protein (p.Arg275Trp). This variant is present in population databases (rs372815115, gnomAD 0.009%). This variant has not been reported in the literature in individuals affected with PEX16-related conditions. ClinVar contains an entry for this variant (Variation ID: 955212). Advanced modeling of protein sequence and biophysical properties (such as structural, functional, and spatial information, amino acid conservation, physicochemical variation, residue mobility, and thermodynamic stability) performed at Invitae indicates that this missense variant is expected to disrupt PEX16 protein function with a positive predictive value of 80%. In summary, the available evidence is currently insufficient to determine the role of this variant in disease. Therefore, it has been classified as a Variant of Uncertain Significance.